The following is an entry in ClinVar:

ClinVar aggregate classification (germline): Pathogenic (1 of 4 stars; one submission).

Conditions:
Renal carnitine transport defect (CDSP). Also called: Primary carnitine deficiency; CARNITINE DEFICIENCY, SYSTEMIC, DUE TO DEFECT IN RENAL REABSORPTION OF CARNITINE; CARNITINE TRANSPORTER, PLASMA-MEMBRANE, DEFICIENCY OF; CARNITINE UPTAKE DEFECT; Systemic primary carnitine deficiency; Systemic primary carnitine deficiency disease. Identifiers: Orphanet 158, MedGen C0342788, MONDO:0008919, OMIM 212140.

Submission:

Labcorp Genetics (formerly Invitae), Labcorp
Classification: Pathogenic for Renal carnitine transport defect. Last evaluated: 2016-11-06. Review status: criteria provided, single submitter. Criteria: Invitae Variant Classification Sherloc (09022015). Collection method: clinical testing. Allele origin: germline.
Comment: For these reasons, this variant has been classified as Pathogenic. While this particular variant has not been reported in the literature, loss-of-function variants in SLC22A5 are known to be pathogenic (PMID: 9916797). This sequence change deletes 1 nucleotide from exon 4 of the SLC22A5 mRNA (c.755delT), causing a frameshift at codon 252. This creates a premature translational stop signal (p.Phe252Serfs*12) and is expected to result in an absent or disrupted protein product.

Literature cited by the submitters: PubMed 9916797.

NM_003060.4(SLC22A5):c.755del (p.Phe252fs)

Gene: SLC22A5 (solute carrier family 22 member 5; plus strand). Cytogenetic location: 5q31.1.
Variant type: Deletion.
Coding change: c.755del on transcript NM_003060.4 (MANE Select); coding-DNA position 755, one base deleted (T; older notation c.755delT).
Protein change: p.Phe252fs; shifts the reading frame from phenylalanine 252.
Molecular consequence: frameshift variant.
Genome position (GRCh38, 1-based): chr5:132,385,430, T deleted; the last of 2 consecutive T bases (chr5:132,385,429-132,385,430); deleting either gives the same sequence. VCF-style (leftmost placement, unchanged base first): chr5-132385428-CT-C. GRCh37 (hg19) VCF-style: chr5-131721120-CT-C.
Other names: c.827del, p.Phe276fs (NM_001308122.2); short protein forms F252fs, F276fs.
Identifiers: ClinVar variation 460413 (VCV000460413.6), dbSNP rs1554087491, ClinGen allele CA658657490.
Genomic context (GRCh38, chr5:132,385,428, plus strand): 5'-TACGTTAGGAGTGTGCATATTTTATGCATTTGGCTACATGGTGCTGCCACTGTTTGCTTA[CT>C]TCATCCGAGACTGGCGGATGCTGCTGGTGGCGCTGACGATGCCGGGGGTGCTATGCGTGG-3'